The following is an entry in ClinVar:

NM_001267550.2(TTN):c.106525A>G (p.Ile35509Val)

Genes: TTN (titin; minus strand), TTN-AS1 (TTN antisense RNA 1; plus strand). Cytogenetic location: 2q31.2.
Variant type: single nucleotide variant.
Coding change: c.106525A>G on transcript NM_001267550.2 (MANE Select); coding-DNA position 106525, A replaced by G.
Protein change: p.Ile35509Val; replaces isoleucine 35509 with valine.
Molecular consequence: missense variant.
Genome position (GRCh38, 1-based): chr2:178,529,966, T>C on the plus strand (A>G on the coding strand, the complement: TTN is on the minus strand). VCF-style: chr2-178529966-T-C. GRCh37 (hg19) VCF-style: chr2-179394693-T-C.
Other names: c.101602A>G, p.Ile33868Val (NM_001256850.1); c.79330A>G, p.Ile26444Val (NM_003319.4); c.98821A>G, p.Ile32941Val (NM_133378.4); c.79705A>G, p.Ile26569Val (NM_133432.3); c.79906A>G, p.Ile26636Val (NM_133437.4); short protein forms I35509V, I26444V, I26569V, I26636V, I33868V, I32941V.
Identifiers: ClinVar variation 535008 (VCV000535008.12), dbSNP rs1553482514, ClinGen allele CA349404983.
Genomic context (GRCh38, chr2:178,529,966, plus strand): 5'-TTTCCCTAATATTATCTTCTGAAGAAATGTGGGTAAAAACAAAAGCCAACCTACCTTTTA[T>C]TGTTAATTTGCAGCTAGAGGACACAGATCCAGCTGAATTTTTTACTGTACAAGTATAAAG-3'
Protein context (NP_001254479.2, residues 35499-35519): GSVSSSCKLT[Ile35509Val]KAIKDTEAQK

ClinVar aggregate classification (germline): Uncertain significance. Review status: criteria provided, multiple submitters, no conflicts (2 of 4 stars). 2 submissions from 2 submitters: Uncertain significance (2). Last evaluated 2019-04-10.

Conditions:
Autosomal recessive limb-girdle muscular dystrophy type 2J (LGMDR10). Also called: Limb-girdle muscular dystrophy, type 2J; MUSCULAR DYSTROPHY, LIMB-GIRDLE, AUTOSOMAL RECESSIVE 10. Identifiers: Orphanet 140922, MedGen C1837342, MONDO:0012127, OMIM 608807.
Dilated cardiomyopathy 1G (CMD1G). Identifiers: Orphanet 154, MedGen C1858763, MONDO:0011400, OMIM 604145.

Submissions (2):

Labcorp Genetics (formerly Invitae), Labcorp
Classification: Uncertain significance for Dilated cardiomyopathy 1G; Autosomal recessive limb-girdle muscular dystrophy type 2J. Last evaluated: 2019-04-10. Review status: criteria provided, single submitter. Criteria: Invitae Variant Classification Sherloc (09022015). Collection method: clinical testing. Allele origin: germline.
Comment: This sequence change replaces isoleucine with valine at codon 35509 of the TTN protein (p.Ile35509Val). Conservation data is not available for the TTN gene and there is a small physicochemical difference between isoleucine and valine. This variant is not present in population databases (ExAC no frequency). This variant has not been reported in the literature in individuals with TTN-related disease. This variant identified in the TTN gene is located in the M band of the resulting protein (PMID: 25589632). It is unclear how this variant impacts the function of this protein. Algorithms developed to predict the effect of missense changes on protein structure and function are not available for the TTN gene. The valine amino acid residue is found in multiple mammalian species, suggesting that this missense change does not adversely affect protein function. These predictions have not been confirmed by published functional studies and their clinical significance is uncertain. In summary, this variant is a novel missense change with unknown impact on protein function. Missense variants in this region of the TTN gene are typically not causative for cardiac disease, but may be relevant for neuromuscular disorders. However, the available evidence is currently insufficient to determine this variant’s role in disease. Therefore, it has been classified as a Variant of Uncertain Significance.

Revvity Omics, Revvity
Classification: Uncertain significance. Last evaluated: 2019-03-22. Review status: criteria provided, single submitter. Criteria: ACMG Guidelines, 2015. Collection method: clinical testing. Allele origin: germline.

Literature cited by the submitters: PubMed 25589632 (cited by Labcorp Genetics (formerly Invitae), Labcorp).